The following is an entry in ClinVar:

NM_004958.4(MTOR):c.5635A>G (p.Met1879Val)

Gene: MTOR (mechanistic target of rapamycin kinase; minus strand). Cytogenetic location: 1p36.22.
Variant type: single nucleotide variant.
Coding change: c.5635A>G on transcript NM_004958.4 (MANE Select); coding-DNA position 5635, A replaced by G.
Protein change: p.Met1879Val; replaces methionine 1879 with valine.
Molecular consequence: missense variant.
Genome position (GRCh38, 1-based): chr1:11,129,817, T>C on the plus strand (A>G on the coding strand, the complement: MTOR is on the minus strand). VCF-style: chr1-11129817-T-C. GRCh37 (hg19) VCF-style: chr1-11189874-T-C.
Other names: c.5635A>G, p.Met1879Val (NM_001386500.1); c.4387A>G, p.Met1463Val (NM_001386501.1); short protein forms M1879V, M1463V.
Identifiers: ClinVar variation 2091770 (VCV002091770.4), dbSNP rs2100424290, ClinGen allele CA338397801.

ClinVar aggregate classification (germline): Uncertain significance (1 of 4 stars; one submission).

Submission:

Labcorp Genetics (formerly Invitae), Labcorp
Classification: Uncertain significance. Last evaluated: 2024-10-15. Review status: criteria provided, single submitter. Criteria: Invitae Variant Classification Sherloc (09022015). Collection method: clinical testing. Allele origin: germline.
Comment: This sequence change replaces methionine, which is neutral and non-polar, with valine, which is neutral and non-polar, at codon 1879 of the MTOR protein (p.Met1879Val). This variant is not present in population databases (gnomAD no frequency). This variant has not been reported in the literature in individuals affected with MTOR-related conditions. ClinVar contains an entry for this variant (Variation ID: 2091770). Invitae Evidence Modeling of protein sequence and biophysical properties (such as structural, functional, and spatial information, amino acid conservation, physicochemical variation, residue mobility, and thermodynamic stability) indicates that this missense variant is not expected to disrupt MTOR protein function with a negative predictive value of 95%. In summary, the available evidence is currently insufficient to determine the role of this variant in disease. Therefore, it has been classified as a Variant of Uncertain Significance.